The following is an entry in ClinVar:

NM_004415.4(DSP):c.8506G>T (p.Gly2836Ter)

Gene: DSP (desmoplakin; plus strand). Cytogenetic location: 6p24.3.
Variant type: single nucleotide variant.
Coding change: c.8506G>T on transcript NM_004415.4 (MANE Select); coding-DNA position 8506, G replaced by T.
Protein change: p.Gly2836Ter; replaces glycine 2836 with a stop codon.
Molecular consequence: nonsense.
Genome position (GRCh38, 1-based): chr6:7,585,768, G>T. VCF-style: chr6-7585768-G-T. GRCh37 (hg19) VCF-style: chr6-7586001-G-T.
Other names: c.6709G>T, p.Gly2237Ter (NM_001008844.3); c.7177G>T, p.Gly2393Ter (NM_001319034.2); short protein forms G2393*, G2836*, G2237*.
Identifiers: ClinVar variation 4827470 (VCV004827470.1).

ClinVar aggregate classification (germline): Uncertain significance (1 of 4 stars; one submission).

Conditions:
Cardiovascular phenotype. Identifiers: MedGen CN230736.

Submission:

Ambry Genetics
Classification: Uncertain significance for Cardiovascular phenotype. Last evaluated: 2026-03-03. Review status: criteria provided, single submitter. Criteria: Ambry Variant Classification Scheme 2023. Collection method: clinical testing. Allele origin: germline.
Comment: The p.G2836* variant (also known as c.8506G>T), located in coding exon 24 of the DSP gene, results from a G to T substitution at nucleotide position 8506. This changes the amino acid from a glycine to a stop codon within coding exon 24. This variant occurs at the 3' terminus of the gene, is not expected to trigger nonsense-mediated mRNAdecay, and impacts the last 1% of the protein. The exact functional effect of this variant is unknown. Based on the available evidence, the clinical significance of this variant remains unclear.